The following is an entry in ClinVar:

ClinVar aggregate classification (germline): Uncertain significance. Review status: reviewed by expert panel (3 of 4 stars). 3 submissions from 3 submitters: Uncertain significance (1). 2 of the submissions do not count toward it. Last evaluated 2025-05-20.

Conditions:
RPGR-related retinopathy. Also called: RPGR retinopathy. Identifiers: MedGen CN305589, MONDO:0100437.
Primary ciliary dyskinesia. Also called: Ciliary dyskinesia. Identifiers: Orphanet 244, MedGen C0008780, MONDO:0016575, HP:0012265.
Retinitis pigmentosa (RP). Identifiers: Orphanet 791, MedGen C0035334, MeSH D012174, MONDO:0019200, OMIM 268000. Inheritance: Autosomal dominant, autosomal recessive and X linked inheritance.

Submissions (3):

ClinGen X-linked Inherited Retinal Disease Variant Curation Expert Panel, ClinGen
Classification: Uncertain significance for RPGR-related retinopathy. Last evaluated: 2025-05-20. Review status: reviewed by expert panel. Criteria: ClinGen X LinkedIRD ACMG Specifications RPGR V1.0.0. Collection method: curation. Allele origin: germline. Inheritance: X-linked inheritance.
Comment: NM_001034853.2(RPGR):c.389T>C (p.Phe130Ser) is a missense variant predicted to cause substitution of phenylalanine by serine at amino acid 130. This variant is absent from hemizygous individuals in gnomAD v4.1.0 (PM2_Supporting). The computational predictor REVEL gives the variant a score of 0.761, which is between the ClinGen X-linked IRD VCEP thresholds of 0.664 to 0.772 and predicts a damaging effect on RPGR function (PP3). The computational splicing predictor SpliceAI gives a delta score of 0.01 for donor loss, which is below the ClinGen X-linked IRD VCEP threshold of >0.2 and does not predict that the variant disrupts RPGR splicing. At least 1 patient with this variant has been diagnosed with X-linked retinopathy, but phenotype details necessary to meet PP4 or include the patient in PS4_Supporting have not been reported (PMID: 28863407, PMID: 32531858, SCV001162677.1). Another missense variant in the same codon, NM_001034853.2(RPGR):c.389T>G (p.Phe130Cys), has been reported in a patient with X-linked retinopathy (PMID: 8817343). However, the present variant has a lower Grantham score (155) than the comparison variant (205), so that the PM5 code cannot be evaluated. In summary, this variant is classified as a variant of uncertain significance for RPGR-related retinopathy based on the ClinGen X-linked Inherited Retinal Disease Expert Panel Specifications to the ACMG/AMP Variant Interpretation Guidelines for RPGR Version 1.0.0; PM2_Supporting and PP3. (date of approval 05/16/2025).

Labcorp Genetics (formerly Invitae), Labcorp
Classification: Uncertain significance for Primary ciliary dyskinesia. Last evaluated: 2024-02-01. Review status: criteria provided, single submitter. Criteria: Invitae Variant Classification Sherloc (09022015). Collection method: clinical testing. Allele origin: germline. Not counted in ClinVar's aggregate classification.
Comment: This sequence change replaces phenylalanine, which is neutral and non-polar, with serine, which is neutral and polar, at codon 130 of the RPGR protein (p.Phe130Ser). This variant is not present in population databases (gnomAD no frequency). This missense change has been observed in individual(s) with retinitis pigmentosa (PMID: 32531858). ClinVar contains an entry for this variant (Variation ID: 813227). Advanced modeling of protein sequence and biophysical properties (such as structural, functional, and spatial information, amino acid conservation, physicochemical variation, residue mobility, and thermodynamic stability) performed at Invitae indicates that this missense variant is expected to disrupt RPGR protein function with a positive predictive value of 80%. In summary, the available evidence is currently insufficient to determine the role of this variant in disease. Therefore, it has been classified as a Variant of Uncertain Significance.

Molecular Genetics Laboratory, Institute for Ophthalmic Research
Classification: Pathogenic for Retinitis pigmentosa. Last evaluated: 2020-01-09. Review status: criteria provided, single submitter. Criteria: ACMG Guidelines, 2015. Collection method: research. Allele origin: germline. Affected: yes. Not counted in ClinVar's aggregate classification.

Literature cited by the submitters: PubMed 32531858 (cited by Labcorp Genetics (formerly Invitae), Labcorp).

NM_001034853.2(RPGR):c.389T>C (p.Phe130Ser)

Gene: RPGR (retinitis pigmentosa GTPase regulator; minus strand). Cytogenetic location: Xp11.4.
Variant type: single nucleotide variant.
Coding change: c.389T>C on transcript NM_001034853.2 (MANE Select); coding-DNA position 389, T replaced by C.
Protein change: p.Phe130Ser; replaces phenylalanine 130 with serine.
Molecular consequence: missense variant. On other transcripts: non-coding transcript variant (6).
Genome position (GRCh38, 1-based): chrX:38,318,909, A>G on the plus strand (T>C on the coding strand, the complement: RPGR is on the minus strand). VCF-style: chrX-38318909-A-G. GRCh37 (hg19) VCF-style: chrX-38178162-A-G.
Other names: NM_001034853.2(RPGR):c.389T>C; p.Phe130Ser; c.389T>C, p.Phe130Ser (NM_000328.3, NM_001367245.1, NM_001367246.1 and 3 more transcripts); c.419T>C, p.Phe140Ser (NM_001367248.1); c.386T>C, p.Phe129Ser (NM_001367249.1); short protein forms F130S, F140S, F129S.
Identifiers: ClinVar variation 813227 (VCV000813227.3), dbSNP rs62638644, ClinGen allele CA412745161.
Genomic context (GRCh38, chrX:38,318,909, plus strand): 5'-TTAGATCCAGCAGACAGCTGCTTAATCTTATGCTCGGATGTAAAAAAGCTAATTACATGA[A>G]AAGTGTTTCTTTCTTCGGTGTCACCAAGCCCCAACTGTCCTTCATTATTTCCACCAGTTG-3'
Protein context (NP_001030025.1, residues 120-140): GLGDTEERNT[Phe130Ser]HVISFFTSEH